The following is an entry in ClinVar:

NM_006306.4(SMC1A):c.2708+1G>A

Gene: SMC1A (structural maintenance of chromosomes 1A; minus strand). Cytogenetic location: Xp11.22.
Variant type: single nucleotide variant.
Coding change: c.2708+1G>A on transcript NM_006306.4 (MANE Select); the canonical splice donor site of the intron after coding-DNA position 2708, G replaced by A.
Molecular consequence: splice donor variant.
Genome position (GRCh38, 1-based): chrX:53,396,471, C>T on the plus strand (G>A on the coding strand, the complement: SMC1A is on the minus strand). VCF-style: chrX-53396471-C-T. GRCh37 (hg19) VCF-style: chrX-53423391-C-T.
Other names: c.2642+1G>A (NM_001281463.1).
Identifiers: ClinVar variation 3370125 (VCV003370125.1).

ClinVar aggregate classification (germline): Pathogenic (1 of 4 stars; one submission).

Submission:

GeneDx
Classification: Pathogenic. Last evaluated: 2023-12-27. Review status: criteria provided, single submitter. Criteria: GeneDx Variant Classification Process June 2021. Collection method: clinical testing. Allele origin: germline. Affected: yes.
Comment: Canonical splice site variant predicted to result in a null allele in a gene for which loss of function is a known mechanism of disease; Not observed at significant frequency in large population cohorts (gnomAD); Has not been previously published as pathogenic or benign to our knowledge